The following is an entry in ClinVar:

ClinVar aggregate classification (germline): Uncertain significance (1 of 4 stars; one submission).

Conditions:
Amyotrophic lateral sclerosis type 1 (ALS1). Also called: AMYOTROPHIC LATERAL SCLEROSIS 1, FAMILIAL. Identifiers: Orphanet 803, MedGen C1862939, MONDO:0007103, OMIM 105400.
Perry syndrome. Also called: PARKINSONISM WITH ALVEOLAR HYPOVENTILATION AND MENTAL DEPRESSION. Identifiers: Orphanet 178509, MedGen C1868594, MONDO:0008201, OMIM 168605.
Neuronopathy, distal hereditary motor, type 7B. Also called: NEURONOPATHY, DISTAL HEREDITARY MOTOR, AUTOSOMAL DOMINANT 14; NEURONOPATHY, DISTAL HEREDITARY MOTOR, HARDING TYPE VIIB; NEUROPATHY, DISTAL HEREDITARY MOTOR, HARDING TYPE VIIB; NEUROPATHY, DISTAL HEREDITARY MOTOR, WITH VOCAL CORD PARALYSIS, HARDING TYPE VIIB; HMN VIIB; LOWER MOTOR NEURON DISEASE, DYNACTIN TYPE. Identifiers: Orphanet 139589, MedGen C1843315, MONDO:0011879, OMIM 607641.

Submission:

Labcorp Genetics (formerly Invitae), Labcorp
Classification: Uncertain significance for Amyotrophic lateral sclerosis type 1; Neuronopathy, distal hereditary motor, type 7B; Perry syndrome. Last evaluated: 2025-10-01. Review status: criteria provided, single submitter. Criteria: Invitae Variant Classification Sherloc (09022015). Collection method: clinical testing. Allele origin: germline.
Comment: This sequence change replaces glutamic acid, which is acidic and polar, with glycine, which is neutral and non-polar, at codon 539 of the DCTN1 protein (p.Glu539Gly). This variant is not present in population databases (gnomAD no frequency). This variant has not been reported in the literature in individuals affected with DCTN1-related conditions. ClinVar contains an entry for this variant (Variation ID: 1713445). Invitae Evidence Modeling of protein sequence and biophysical properties (such as structural, functional, and spatial information, amino acid conservation, physicochemical variation, residue mobility, and thermodynamic stability) indicates that this missense variant is not expected to disrupt DCTN1 protein function with a negative predictive value of 95%. In summary, the available evidence is currently insufficient to determine the role of this variant in disease. Therefore, it has been classified as a Variant of Uncertain Significance.

NM_004082.5(DCTN1):c.1616A>G (p.Glu539Gly)

Gene: DCTN1 (dynactin subunit 1; minus strand). Cytogenetic location: 2p13.1.
Variant type: single nucleotide variant.
Coding change: c.1616A>G on transcript NM_004082.5 (MANE Select); coding-DNA position 1616, A replaced by G.
Protein change: p.Glu539Gly; replaces glutamic acid 539 with glycine.
Molecular consequence: missense variant. On other transcripts: non-coding transcript variant (1).
Genome position (GRCh38, 1-based): chr2:74,369,183, T>C on the plus strand (A>G on the coding strand, the complement: DCTN1 is on the minus strand). VCF-style: chr2-74369183-T-C. GRCh37 (hg19) VCF-style: chr2-74596310-T-C.
Other names: c.1556A>G, p.Glu519Gly (NM_001135040.3); c.1214A>G, p.Glu405Gly (NM_001135041.3, NM_023019.4); c.1505A>G, p.Glu502Gly (NM_001190836.2); c.1595A>G, p.Glu532Gly (NM_001190837.2); c.1565A>G, p.Glu522Gly (NM_001378991.1); c.1547A>G, p.Glu516Gly (NM_001378992.1); short protein forms E405G, E502G, E516G, E519G, E522G, E532G, E539G.
Identifiers: ClinVar variation 1713445 (VCV001713445.6), dbSNP rs4994504, ClinGen allele CA347357140.